The following is an entry in ClinVar:

NM_016579.4(CD320):c.137C>T (p.Ala46Val)

Gene: CD320 (CD320 molecule; minus strand). Cytogenetic location: 19p13.2.
Variant type: single nucleotide variant.
Coding change: c.137C>T on transcript NM_016579.4 (MANE Select); coding-DNA position 137, C replaced by T.
Protein change: p.Ala46Val; replaces alanine 46 with valine.
Molecular consequence: missense variant.
Genome position (GRCh38, 1-based): chr19:8,308,154, G>A on the plus strand (C>T on the coding strand, the complement: CD320 is on the minus strand). VCF-style: chr19-8308154-G-A. GRCh37 (hg19) VCF-style: chr19-8373038-G-A.
Other names: c.137C>T, p.Ala46Val (NM_001165895.2); short protein forms A46V.
Identifiers: ClinVar variation 4716023 (VCV004716023.1).
Genomic context (GRCh38, chr19:8,308,154, plus strand): 5'-CGGCGGGGCGAAGCCTCGCGAGGGGTGGGAGCCCGCGCTGCGGGGCGTCACTCACCTGCG[G>A]CCTGGGCAGAGGTCGGGGTGGAAAGCGGGCTCGCGGCGGCCTCCAGGCCTAGTCCGAGGC-3'
Protein context (NP_057663.1, residues 36-56): SPLSTPTSAQ[Ala46Val]AGPSSGSCPP

ClinVar aggregate classification (germline): Uncertain significance (1 of 4 stars; one submission).

Conditions:
Methylmalonic acidemia due to transcobalamin receptor defect (MATR). Also called: METHYLMALONIC ACIDURIA, TRANSIENT, DUE TO TRANSCOBALAMIN RECEPTOR DEFECT; METHYLMALONIC ACIDEMIA, TCblR TYPE. Identifiers: Orphanet 280183, MedGen C4749905, MONDO:0013341, OMIM 613646.

Submission:

Labcorp Genetics (formerly Invitae), Labcorp
Classification: Uncertain significance for Methylmalonic acidemia due to transcobalamin receptor defect. Last evaluated: 2025-08-27. Review status: criteria provided, single submitter. Criteria: Invitae Variant Classification Sherloc (09022015). Collection method: clinical testing. Allele origin: germline.
Comment: This sequence change replaces alanine, which is neutral and non-polar, with valine, which is neutral and non-polar, at codon 46 of the CD320 protein (p.Ala46Val). This variant is not present in population databases (gnomAD no frequency). This variant has not been reported in the literature in individuals affected with CD320-related conditions. An algorithm developed to predict the effect of missense changes on protein structure and function outputs the following: PolyPhen-2: "Benign". The valine amino acid residue is found in multiple mammalian species, which suggests that this missense change does not adversely affect protein function. In summary, the available evidence is currently insufficient to determine the role of this variant in disease. Therefore, it has been classified as a Variant of Uncertain Significance.